The following is an entry in ClinVar:

NM_152564.5(VPS13B):c.9305_9308del (p.Val3102fs)

Gene: VPS13B (vacuolar protein sorting 13 homolog B; plus strand). Cytogenetic location: 8q22.2.
Variant type: Microsatellite.
Coding change: c.9305_9308del on transcript NM_152564.5 (MANE Select); coding-DNA positions 9305 to 9308, 4 bases deleted (TCTG; older notation c.9305_9308delTCTG).
Protein change: p.Val3102fs; shifts the reading frame from valine 3102.
Molecular consequence: frameshift variant.
Genome position (GRCh38, 1-based): chr8:99,823,953-99,823,956, TCTG deleted; deleting any 4 consecutive bases within chr8:99,823,949-99,823,956 gives the same sequence; the c. name uses the placement nearest the transcript's 3' end. VCF-style (leftmost placement, unchanged base first): chr8-99823948-ATCTG-A. GRCh37 (hg19) VCF-style: chr8-100836176-ATCTG-A.
Other names: c.9380_9383del, p.Val3127fs (NM_017890.5); short protein forms V3102fs, V3127fs.
Identifiers: ClinVar variation 4081827 (VCV004081827.1).

ClinVar aggregate classification (germline): Pathogenic (1 of 4 stars; one submission).

Conditions:
Cohen syndrome (COH1). Also called: PEPPER SYNDROME; Cutis verticis gyrata, retinitis pigmentosa, and sensorineural deafness. Identifiers: Orphanet 193, MedGen C0265223, MONDO:0008999, OMIM 216550.

Submission:

Myriad Genetics, Inc.
Classification: Pathogenic for Cohen syndrome. Last evaluated: 2025-06-12. Review status: criteria provided, single submitter. Criteria: Myriad Autosomal Dominant, Autosomal Recessive and X-Linked Classification Criteria (2023). Collection method: clinical testing. Allele origin: unknown.
Comment: NM_017890.4(VPS13B):c.9380_9383delTCTG(V3127Afs*29) is a frameshift variant classified as pathogenic in the context of Cohen syndrome. V3127Afs*29 has not been observed in cases with relevant disease. Relevant functional assessments of this variant are not available in the literature. V3127Afs*29 has not been observed in referenced population frequency databases. In summary, NM_017890.4(VPS13B):c.9380_9383delTCTG(V3127Afs*29) is a frameshift variant in a gene where loss of function is a known mechanism of disease and is predicted to disrupt protein function. Please note: this variant was assessed in the context of healthy population screening.